The following is an entry in ClinVar:

ClinVar aggregate classification (germline): Uncertain significance. Review status: criteria provided, multiple submitters, no conflicts (2 of 4 stars). 2 submissions from 2 submitters: Uncertain significance (2). Last evaluated 2025-10-12.

gnomAD v4.1: 1 of 1,608,964 alleles (0.000062%); highest among the groups gnomAD compares: African/African-American, 0.0013%; no homozygotes.

Submissions (2):

Ambry Genetics
Classification: Uncertain significance. Last evaluated: 2025-10-12. Review status: criteria provided, single submitter. Criteria: Ambry Variant Classification Scheme 2023. Collection method: clinical testing. Allele origin: germline.
Comment: The p.L307V variant (also known as c.919C>G), located in coding exon 7 of the RECQL gene, results from a C to G substitution at nucleotide position 919. The leucine at codon 307 is replaced by valine, an amino acid with highly similar properties. This amino acid position is well conserved in available vertebrate species. In addition, the in silico prediction for this alteration is inconclusive. Since supporting evidence is limited at this time, the clinical significance of this alteration remains unclear.

Labcorp Genetics (formerly Invitae), Labcorp
Classification: Uncertain significance. Last evaluated: 2021-06-21. Review status: criteria provided, single submitter. Criteria: Invitae Variant Classification Sherloc (09022015). Collection method: clinical testing. Allele origin: germline.
Comment: Algorithms developed to predict the effect of sequence changes on RNA splicing suggest that this variant may create or strengthen a splice site, but this prediction has not been confirmed by published transcriptional studies. This sequence change replaces leucine with valine at codon 307 of the RECQL protein (p.Leu307Val). The leucine residue is highly conserved and there is a small physicochemical difference between leucine and valine. This variant is not present in population databases (ExAC no frequency). This variant has not been reported in the literature in individuals with RECQL-related conditions. Algorithms developed to predict the effect of missense changes on protein structure and function output the following: SIFT: "Tolerated"; PolyPhen-2: "Benign"; Align-GVGD: "Class C0". The valine amino acid residue is found in multiple mammalian species, suggesting that this missense change does not adversely affect protein function. These predictions have not been confirmed by published functional studies and their clinical significance is uncertain. In summary, the available evidence is currently insufficient to determine the role of this variant in disease. Therefore, it has been classified as a Variant of Uncertain Significance.

NM_002907.4(RECQL):c.919C>G (p.Leu307Val)

Gene: RECQL (RecQ like helicase; minus strand). Cytogenetic location: 12p12.1.
Variant type: single nucleotide variant.
Coding change: c.919C>G on transcript NM_002907.4 (MANE Select); coding-DNA position 919, C replaced by G.
Protein change: p.Leu307Val; replaces leucine 307 with valine.
Molecular consequence: missense variant.
Genome position (GRCh38, 1-based): chr12:21,476,941, G>C on the plus strand (C>G on the coding strand, the complement: RECQL is on the minus strand). VCF-style: chr12-21476941-G-C. GRCh37 (hg19) VCF-style: chr12-21629875-G-C.
Other names: c.919C>G, p.Leu307Val (NM_032941.3); short protein forms L307V.
Identifiers: ClinVar variation 1476306 (VCV001476306.13), dbSNP rs746041500, ClinGen allele CA233570424.